The following is an entry in ClinVar:

ClinVar aggregate classification (germline): Uncertain significance (1 of 4 stars; one submission).

Conditions:
Nephronophthisis 18 (NPHP18). Identifiers: Orphanet 655, MedGen C3890591, MONDO:0014374, OMIM 615862.

Submission:

Labcorp Genetics (formerly Invitae), Labcorp
Classification: Uncertain significance for Nephronophthisis 18. Last evaluated: 2023-08-04. Review status: criteria provided, single submitter. Criteria: Invitae Variant Classification Sherloc (09022015). Collection method: clinical testing. Allele origin: germline.
Comment: This variant has not been reported in the literature in individuals affected with CEP83-related conditions. A copy number gain of the genomic region encompassing the full coding sequence of the CEP83 gene has been identified. The boundaries of this event are unknown as they extend beyond the assayed region for this gene and therefore may encompass additional genes. As the precise location of this event is unknown, it may be in tandem or it may be located elsewhere in the genome. In summary, the available evidence is currently insufficient to determine the role of this variant in disease. Therefore, it has been classified as a Variant of Uncertain Significance. Experimental studies and prediction algorithms are not available or were not evaluated, and the functional significance of this variant is currently unknown.

NC_000012.11:g.(?_94634261)_(94806266_?)dup

Genes: CEP83 (centrosomal protein 83; minus strand), PLXNC1 (plexin C1; plus strand). Cytogenetic location: 12q22.
Variant type: Duplication.
Identifiers: ClinVar variation 1040981 (VCV001040981.6).